The following is an entry in ClinVar:

NM_004006.3(DMD):c.3814T>C (p.Leu1272=)

Gene: DMD (dystrophin; minus strand). Cytogenetic location: Xp21.1.
Variant type: single nucleotide variant.
Coding change: c.3814T>C on transcript NM_004006.3 (MANE Select); coding-DNA position 3814, T replaced by C.
Protein change: p.Leu1272=; no amino-acid change (leucine 1272 retained).
Molecular consequence: synonymous variant.
Genome position (GRCh38, 1-based): chrX:32,441,287, A>G on the plus strand (T>C on the coding strand, the complement: DMD is on the minus strand). VCF-style: chrX-32441287-A-G. GRCh37 (hg19) VCF-style: chrX-32459404-A-G.
Other names: c.3814T>C (NM_004006.2); c.3790T>C, p.Leu1264= (NM_000109.4); c.3802T>C, p.Leu1268= (NM_004009.3); c.3445T>C, p.Leu1149= (NM_004010.3).
Identifiers: ClinVar variation 285354 (VCV000285354.18), dbSNP rs746405191, ClinGen allele CA10379181.

ClinVar aggregate classification (germline): Conflicting classifications of pathogenicity. Review status: criteria provided, conflicting classifications (1 of 4 stars). 5 submissions from 5 submitters: Uncertain significance (1); Benign (1); Likely benign (1). 2 of the submissions do not count toward it. Last evaluated 2026-01-31.

Conditions:
DMD-related disorder. Also called: DMD-related condition.
Cardiovascular phenotype. Identifiers: MedGen CN230736.
Cardiomyopathy (CMYO). Also called: Cardiomyopathies. Identifiers: Orphanet 167848, MedGen C0878544, MONDO:0004994, HP:0001638. Inheritance: Various modes of inheritance.
Becker muscular dystrophy (BMD). Also called: MUSCULAR DYSTROPHY, PSEUDOHYPERTROPHIC PROGRESSIVE, BECKER TYPE; Becker Muscular Dystrophy (BMD). Identifiers: Orphanet 98895, MedGen C0917713, MONDO:0010311, OMIM 300376.
Duchenne muscular dystrophy (DMD). Also called: Duchenne Muscular Dystrophy (DMD); MUSCULAR DYSTROPHY, PSEUDOHYPERTROPHIC PROGRESSIVE, DUCHENNE TYPE. Identifiers: Orphanet 98896, MedGen C0013264, MONDO:0010679, OMIM 310200.
Dystrophin deficiency.

Allele frequency attached by ClinVar (database versions not stated): gnomAD 0.00003 and 0.00004; TOPMed 0.00003; gnomAD exomes 0.00005; ExAC 0.00007.
gnomAD v4.1: 78 of 1,207,085 alleles (0.0065%); highest among the groups gnomAD compares: Non-Finnish European, 0.0084%; no homozygotes.

Submissions (5):

Labcorp Genetics (formerly Invitae), Labcorp
Classification: Benign for Duchenne muscular dystrophy. Last evaluated: 2026-01-31. Review status: criteria provided, single submitter. Criteria: Invitae Variant Classification Sherloc (09022015). Collection method: clinical testing. Allele origin: germline.

Ambry Genetics
Classification: Likely benign for Cardiovascular phenotype. Last evaluated: 2021-10-14. Review status: criteria provided, single submitter. Criteria: Ambry Variant Classification Scheme 2023. Collection method: clinical testing. Allele origin: germline.

Eurofins Ntd Llc (ga)
Classification: Uncertain significance. Last evaluated: 2016-01-08. Review status: criteria provided, single submitter. Criteria: EGL Classification Definitions 2015. Collection method: clinical testing. Allele origin: germline. Observed: 2 variant alleles, 1 heterozygote, 1 hemizygote.

PreventionGenetics, part of Exact Sciences
Classification: Likely benign for DMD-related condition. Last evaluated: 2019-09-12. Review status: no assertion criteria provided. Collection method: clinical testing. Allele origin: germline. Not counted in ClinVar's aggregate classification.
Comment: This variant is classified as likely benign based on ACMG/AMP sequence variant interpretation guidelines (Richards et al. 2015 PMID: 25741868, with internal and published modifications).

Natera, Inc.
Classification: Likely benign for Becker muscular dystrophy; Cardiomyopathy; Duchenne muscular dystrophy; Dystrophin deficiency. Last evaluated: 2018-06-01. Review status: no assertion criteria provided. Collection method: clinical testing. Allele origin: germline. Not counted in ClinVar's aggregate classification.